The following is an entry in ClinVar:

ClinVar aggregate classification (germline): Conflicting classifications of pathogenicity. Review status: criteria provided, conflicting classifications (1 of 4 stars). 2 submissions from 2 submitters: Uncertain significance (1); Likely benign (1). Last evaluated 2024-05-09.

Conditions:
Ullrich congenital muscular dystrophy 2 (UCMD2). Identifiers: Orphanet 75840, MedGen C4225314, MONDO:0014654, OMIM 616470.
Bethlem myopathy 2 (BTHLM2). Identifiers: Orphanet 536516, Orphanet 610, MedGen C4225313, MONDO:0034022, OMIM 616471.

gnomAD v4.1: 1 of 1,613,924 alleles (0.000062%); highest among the groups gnomAD compares: African/African-American, 0.0013%; no homozygotes.

Submissions (2):

GeneDx
Classification: Uncertain significance. Last evaluated: 2024-05-09. Review status: criteria provided, single submitter. Criteria: GeneDx Variant Classification Process June 2021. Collection method: clinical testing. Allele origin: germline. Affected: yes.
Comment: Not observed at significant frequency in large population cohorts (gnomAD); In silico analysis indicates that this missense variant does not alter protein structure/function; Has not been previously published as pathogenic or benign to our knowledge

Labcorp Genetics (formerly Invitae), Labcorp
Classification: Likely benign for Bethlem myopathy 2; Ullrich congenital muscular dystrophy 2. Last evaluated: 2024-02-25. Review status: criteria provided, single submitter. Criteria: Invitae Variant Classification Sherloc (09022015). Collection method: clinical testing. Allele origin: germline.

NM_004370.6(COL12A1):c.8645G>C (p.Arg2882Thr)

Gene: COL12A1 (collagen type XII alpha 1 chain; minus strand). Cytogenetic location: 6q13.
Variant type: single nucleotide variant.
Coding change: c.8645G>C on transcript NM_004370.6 (MANE Select); coding-DNA position 8645, G replaced by C.
Protein change: p.Arg2882Thr; replaces arginine 2882 with threonine.
Molecular consequence: missense variant.
Genome position (GRCh38, 1-based): chr6:75,095,112, C>G on the plus strand (G>C on the coding strand, the complement: COL12A1 is on the minus strand). VCF-style: chr6-75095112-C-G. GRCh37 (hg19) VCF-style: chr6-75804828-C-G.
Other names: c.8645G>C, p.Arg2882Thr (NM_001424113.1); c.8624G>C, p.Arg2875Thr (NM_001424114.1); c.8372G>C, p.Arg2791Thr (NM_001424115.1); c.5153G>C, p.Arg1718Thr (NM_001424116.1, NM_080645.3); short protein forms R1718T, R2791T, R2875T, R2882T.
Identifiers: ClinVar variation 3375610 (VCV003375610.3).